The following is an entry in ClinVar:

NM_001166114.2(PNPLA6):c.3570G>C (p.Gln1190His)

Gene: PNPLA6 (patatin like domain 6, lysophospholipase; plus strand). Cytogenetic location: 19p13.2.
Variant type: single nucleotide variant.
Coding change: c.3570G>C on transcript NM_001166114.2 (MANE Select); coding-DNA position 3570, G replaced by C.
Protein change: p.Gln1190His; replaces glutamine 1190 with histidine.
Molecular consequence: missense variant.
Genome position (GRCh38, 1-based): chr19:7,559,022, G>C. VCF-style: chr19-7559022-G-C. GRCh37 (hg19) VCF-style: chr19-7623908-G-C.
Other names: c.3600G>C, p.Gln1200His (NM_001166111.2); c.3375G>C, p.Gln1125His (NM_001166112.2); c.3456G>C, p.Gln1152His (NM_001166113.1, NM_006702.5); short protein forms Q1125H, Q1152H, Q1190H, Q1200H.
Identifiers: ClinVar variation 4879458 (VCV004879458.1).

ClinVar aggregate classification (germline): Uncertain significance (1 of 4 stars; one submission).

Conditions:
Congenital hypogonadotropic hypogonadism. Identifiers: Orphanet 174590, MedGen C3899503, MONDO:0015770.

Submission:

Department of Pediatrics, Asan Medical Center, University of Ulsan College of Medicine
Classification: Uncertain significance for Congenital hypogonadotropic hypogonadism. Last evaluated: 2026-07-19. Review status: criteria provided, single submitter. Criteria: ACMG Guidelines, 2015. Collection method: research. Allele origin: germline. Inheritance: Autosomal recessive inheritance. Affected: yes. Observed: 1 heterozygote.
Comment: ACMG/AMP evidence codes: PM2_Supporting, PP2. In silico predictions: CADD 24.8, PolyPhen-2 probably damaging, SIFT damaging, REVEL 0.438, MutationTaster disease causing. Not found in gnomAD. Novel variant.